The following is an entry in ClinVar:

ClinVar aggregate classification (germline): Uncertain significance (1 of 4 stars; one submission).

Allele frequency attached by ClinVar (database versions not stated): TOPMed 0.00009; 1000 Genomes Project 30x 0.00016; 1000 Genomes Project 0.00020; ESP Exome Variant Server 0.00023.
gnomAD v4.1: 16 of 1,614,144 alleles (0.00099%); highest among the groups gnomAD compares: African/African-American, 0.016%; no homozygotes.

Submission:

Labcorp Genetics (formerly Invitae), Labcorp
Classification: Uncertain significance. Last evaluated: 2023-07-07. Review status: criteria provided, single submitter. Criteria: Invitae Variant Classification Sherloc (09022015). Collection method: clinical testing. Allele origin: germline.
Comment: In summary, the available evidence is currently insufficient to determine the role of this variant in disease. Therefore, it has been classified as a Variant of Uncertain Significance. This sequence change replaces threonine, which is neutral and polar, with isoleucine, which is neutral and non-polar, at codon 123 of the POP1 protein (p.Thr123Ile). This variant is present in population databases (rs370284594, gnomAD 0.03%). This variant has not been reported in the literature in individuals affected with POP1-related conditions. ClinVar contains an entry for this variant (Variation ID: 1348373). An algorithm developed to predict the effect of missense changes on protein structure and function (PolyPhen-2) suggests that this variant is likely to be disruptive.

NM_001145860.2(POP1):c.368C>T (p.Thr123Ile)

Gene: POP1 (POP1 ribonuclease P/MRP subunit; plus strand). Cytogenetic location: 8q22.2.
Variant type: single nucleotide variant.
Coding change: c.368C>T on transcript NM_001145860.2 (MANE Select); coding-DNA position 368, C replaced by T.
Protein change: p.Thr123Ile; replaces threonine 123 with isoleucine.
Molecular consequence: missense variant.
Genome position (GRCh38, 1-based): chr8:98,128,422, C>T. VCF-style: chr8-98128422-C-T. GRCh37 (hg19) VCF-style: chr8-99140650-C-T.
Other names: c.368C>T, p.Thr123Ile (NM_001145861.2, NM_015029.3); short protein forms T123I.
Identifiers: ClinVar variation 1348373 (VCV001348373.6), dbSNP rs370284594, ClinGen allele CA4820295.